The following is an entry in ClinVar:

ClinVar aggregate classification (germline): Uncertain significance (1 of 4 stars; one submission).

Submission:

Labcorp Genetics (formerly Invitae), Labcorp
Classification: Uncertain significance. Last evaluated: 2022-01-11. Review status: criteria provided, single submitter. Criteria: Invitae Variant Classification Sherloc (09022015). Collection method: clinical testing. Allele origin: germline.
Comment: This sequence change falls in intron 20 of the ELP1 gene. It does not directly change the encoded amino acid sequence of the ELP1 protein. It affects a nucleotide within the consensus splice site. This variant is not present in population databases (gnomAD no frequency). This variant has not been reported in the literature in individuals affected with ELP1-related conditions. Variants that disrupt the consensus splice site are a relatively common cause of aberrant splicing (PMID: 17576681, 9536098). Algorithms developed to predict the effect of sequence changes on RNA splicing suggest that this variant may disrupt the consensus splice site. In summary, the available evidence is currently insufficient to determine the role of this variant in disease. Therefore, it has been classified as a Variant of Uncertain Significance.

Literature cited by the submitters: PubMed 17576681; PubMed 9536098.

NM_003640.5(ELP1):c.2204+3_2204+6del

Gene: ELP1 (elongator acetyltransferase complex subunit 1; minus strand). Cytogenetic location: 9q31.3.
Variant type: Microsatellite.
Coding change: c.2204+3_2204+6del on transcript NM_003640.5 (MANE Select); bases 3 to 6 of the intron after coding-DNA position 2204, 4 bases deleted (AAGT; older notation c.2204+3_2204+6delAAGT).
Molecular consequence: splice donor variant.
Genome position (GRCh38, 1-based): chr9:108,899,816-108,899,819, ACTT deleted on the plus strand (AAGT on the coding strand, the reverse complement: ELP1 is on the minus strand); deleting any 4 consecutive bases within chr9:108,899,816-108,899,823 gives the same sequence; the c. name uses the placement nearest the transcript's 3' end. VCF-style (leftmost placement, unchanged base first): chr9-108899815-CACTT-C. GRCh37 (hg19) VCF-style: chr9-111662095-CACTT-C.
Other names: c.1862+3_1862+6del (NM_001318360.2); c.1157+3_1157+6del (NM_001330749.2).
Identifiers: ClinVar variation 1946630 (VCV001946630.2), dbSNP rs2537896840, ClinGen allele CA2580616285.